The following is an entry in ClinVar:

ClinVar aggregate classification (germline): Benign/Likely benign. Review status: criteria provided, multiple submitters, no conflicts (2 of 4 stars). 3 submissions from 3 submitters: Benign (1); Likely benign (2). Last evaluated 2025-12-21.

Conditions:
Hereditary diffuse gastric adenocarcinoma (HDGC). Also called: DIFFUSE GASTRIC AND LOBULAR BREAST CANCER SYNDROME. Identifiers: Orphanet 26106, MedGen C1708349, MONDO:0007648, OMIM 137215.
Hereditary cancer-predisposing syndrome. Also called: Hereditary neoplastic syndrome; Neoplastic Syndromes, Hereditary; Tumor predisposition; Hereditary Cancer Syndrome. Identifiers: Orphanet 140162, MedGen C0027672, MeSH D009386, MONDO:0015356.

Allele frequency attached by ClinVar (database versions not stated): gnomAD 0.00001; gnomAD exomes 0.00001 and 0.00002; ExAC 0.00003; TOPMed 0.00003.
gnomAD v4.1: 15 of 1,613,994 alleles (0.00093%); highest among the groups gnomAD compares: South Asian, 0.0055%; no homozygotes.

Submissions (3):

Labcorp Genetics (formerly Invitae), Labcorp
Classification: Likely benign. Last evaluated: 2025-12-21. Review status: criteria provided, single submitter. Criteria: Invitae Variant Classification Sherloc (09022015). Collection method: clinical testing. Allele origin: germline.

Myriad Genetics, Inc.
Classification: Benign for Hereditary diffuse gastric adenocarcinoma. Last evaluated: 2024-10-14. Review status: criteria provided, single submitter. Criteria: Myriad Autosomal Dominant, Autosomal Recessive and X-Linked Classification Criteria (2023). Collection method: clinical testing. Allele origin: unknown.
Comment: This variant is considered benign. This variant is a silent/synonymous amino acid change and it is not expected to impact splicing.

Ambry Genetics
Classification: Likely benign for Hereditary cancer-predisposing syndrome. Last evaluated: 2022-02-12. Review status: criteria provided, single submitter. Criteria: Ambry Variant Classification Scheme 2023. Collection method: clinical testing. Allele origin: germline.

NM_001903.5(CTNNA1):c.1836C>T (p.Ile612=)

Gene: CTNNA1 (catenin alpha 1; plus strand). Cytogenetic location: 5q31.2.
Variant type: single nucleotide variant.
Coding change: c.1836C>T on transcript NM_001903.5 (MANE Select); coding-DNA position 1836, C replaced by T.
Protein change: p.Ile612=; no amino-acid change (isoleucine 612 retained).
Molecular consequence: synonymous variant.
Genome position (GRCh38, 1-based): chr5:138,925,344, C>T. VCF-style: chr5-138925344-C-T. GRCh37 (hg19) VCF-style: chr5-138261033-C-T.
Other names: c.1836C>T, p.Ile612= (NM_001290307.3, NM_001323982.2, NM_001323983.1 and 2 more transcripts); c.1527C>T, p.Ile509= (NM_001290309.3); c.1467C>T, p.Ile489= (NM_001290310.3); c.726C>T, p.Ile242= (NM_001290312.1, NM_001323987.1, NM_001323988.1 and 17 more transcripts); c.1743C>T, p.Ile581= (NM_001323986.2); c.387C>T, p.Ile129= (NM_001324006.1, NM_001324007.1, NM_001324008.1 and 2 more transcripts); c.633C>T, p.Ile211= (NM_001324011.1); c.483C>T, p.Ile161= (NM_001324012.1, NM_001324013.1).
Identifiers: ClinVar variation 733109 (VCV000733109.14), dbSNP rs759003621, ClinGen allele CA3432043.